The following is an entry in ClinVar:

ClinVar aggregate classification (germline): Conflicting classifications of pathogenicity. Review status: criteria provided, conflicting classifications (1 of 4 stars). 7 submissions from 7 submitters: Pathogenic (1); Likely pathogenic (5); Uncertain significance (1). Last evaluated 2026-08-19.

Conditions:
Glutaric acidemia type 2C.
Multiple acyl-CoA dehydrogenase deficiency (MADD). Also called: GA II; Glutaric aciduria, type 2; Glutaric acidemia type II; GA 2; Glutaric Acidemia type 2; ETHYLMALONIC-ADIPICACIDURIA. Identifiers: Orphanet 26791, MedGen C0268596, MONDO:0009282, OMIM 231680.
ETFDH-related disorder. Also called: ETFDH-related condition.

Allele frequency attached by ClinVar (database versions not stated): gnomAD exomes 0.00001; ExAC 0.00002; ESP Exome Variant Server 0.00008.
gnomAD v4.1: 24 of 1,554,770 alleles (0.0015%); highest among the groups gnomAD compares: Middle Eastern, 0.017%; no homozygotes.

Submissions (7):

PreventionGenetics, part of Exact Sciences
Classification: Likely pathogenic for ETFDH-related condition. Last evaluated: 2026-08-19. Review status: criteria provided, single submitter. Criteria: ACMG Guidelines, 2015. Collection method: clinical testing. Allele origin: germline.
Comment: The ETFDH c.679C>A variant is predicted to result in the amino acid substitution p.Pro227Thr. This variant has been reported in the homozygous state in an individual with riboflavin-responsive glutaric aciduria type II (GA-II) deficiency, aka multiple Acyl-CoA dehydrogenase deficiency (MADD), who also had a dual diagnosis of serine deficiency thought to be related to a homozygous variant in PHGDH (Ali et al. 2021. PubMed ID: 34066864). Additionally, this variant has been reported in the homozygous state in two additional individuals, one from ClinVar in an individual with MADD (Variation ID: 459966) and the second in an individual undergoing whole genome sequencing for rare genetic disease (Table S7, Stranneheim et al. 2021. PubMed ID: 33726816). This variant is reported in 0.0065% of alleles in individuals of South Asian descent in gnomAD and is interpreted as likely pathogenic/pathogenic in ClinVar (Variation ID: 459966). This variant is interpreted as likely pathogenic.

Labcorp Genetics (formerly Invitae), Labcorp
Classification: Likely pathogenic for Multiple acyl-CoA dehydrogenase deficiency. Last evaluated: 2026-01-21. Review status: criteria provided, single submitter. Criteria: Invitae Variant Classification Sherloc (09022015). Collection method: clinical testing. Allele origin: germline.
Comment: This sequence change replaces proline, which is neutral and non-polar, with threonine, which is neutral and polar, at codon 227 of the ETFDH protein (p.Pro227Thr). This variant is present in population databases (rs141407224, gnomAD 0.006%). This missense change has been observed in individuals with glutaric aciduria (PMID: 34066864; internal data). ClinVar contains an entry for this variant (Variation ID: 459966). Invitae Evidence Modeling of protein sequence and biophysical properties (such as structural, functional, and spatial information, amino acid conservation, physicochemical variation, residue mobility, and thermodynamic stability) indicates that this missense variant is expected to disrupt ETFDH protein function with a positive predictive value of 80%. In summary, the currently available evidence indicates that the variant is pathogenic, but additional data are needed to prove that conclusively. Therefore, this variant has been classified as Likely Pathogenic.

Natera, Inc.
Classification: Likely pathogenic for Glutaric acidemia type 2C. Last evaluated: 2025-09-24. Review status: criteria provided, single submitter. Criteria: Natera Variant Classification Schema (03/2026). Collection method: clinical testing. Allele origin: germline.
Comment: The c.679C>A variant in ETFDH is a missense variant predicted to cause substitution of proline to threonine at amino acid 227. This variant is rare in the general population with a frequency below the threshold expected for the associated phenotype(s). This variant has been observed in one or more individuals affected with the associated recessive disease, as either homozygous or compound heterozygous with a second variant (PMID: 34066864). A different variant at the same position has been determined to be Pathogenic or Likely Pathogenic. Computational prediction algorithms indicate this variant is likely to affect gene or protein function. Given the available evidence, this variant is classified as Likely Pathogenic.

CeGaT Center for Human Genetics Tuebingen
Classification: Likely pathogenic. Last evaluated: 2025-02-01. Review status: criteria provided, single submitter. Criteria: CeGaT Center For Human Genetics Tuebingen Variant Classification Criteria Version 2. Collection method: clinical testing. Allele origin: germline. Affected: yes. Observed: 2 variant alleles.
Comment: ETFDH: PM2, PM3, PM5, PP4:Moderate

Centre for Inherited Metabolic Diseases, Karolinska University Hospital
Classification: Pathogenic for Multiple acyl-CoA dehydrogenase deficiency. Last evaluated: 2024-07-23. Review status: criteria provided, single submitter. Criteria: ACMG Guidelines, 2015. Collection method: clinical testing. Allele origin: inherited. Inheritance: Autosomal recessive inheritance. Affected: yes. Observed: 1 homozygote.
Comment: The variant has been reported pathogenic (PS1, Ali et al. 2021, PMID: 34066864). The variant causes functional damage (PS3, clinical/biochemical evidence). The variant is rare in the healthy population (PM2 - supporting). The variant is homozygous (PM3-supporting according to the ClinGen Sequence variant interpretation Recommendation for in-trans Criterion (PM3) - Version 1.0)

Fulgent Genetics
Classification: Likely pathogenic for Multiple acyl-CoA dehydrogenase deficiency. Last evaluated: 2024-03-19. Review status: criteria provided, single submitter. Criteria: ACMG Guidelines, 2015. Collection method: clinical testing. Allele origin: germline.

Blueprint Genetics
Classification: Uncertain significance. Last evaluated: 2023-02-27. Review status: criteria provided, single submitter. Criteria: ACMG Guidelines, 2015. Collection method: clinical testing. Allele origin: germline.

Literature cited by the submitters: PubMed 34066864 (cited by Labcorp Genetics (formerly Invitae), Labcorp and Natera, Inc.).

NM_004453.4(ETFDH):c.679C>A (p.Pro227Thr)

Gene: ETFDH (electron transfer flavoprotein dehydrogenase; plus strand). Cytogenetic location: 4q32.1.
Variant type: single nucleotide variant.
Coding change: c.679C>A on transcript NM_004453.4 (MANE Select); coding-DNA position 679, C replaced by A.
Protein change: p.Pro227Thr; replaces proline 227 with threonine.
Molecular consequence: missense variant.
Genome position (GRCh38, 1-based): chr4:158,690,420, C>A. VCF-style: chr4-158690420-C-A. GRCh37 (hg19) VCF-style: chr4-159611572-C-A.
Other names: c.538C>A, p.Pro180Thr (NM_001281737.2); c.496C>A, p.Pro166Thr (NM_001281738.1); short protein forms P227T, P166T, P180T.
Identifiers: ClinVar variation 459966 (VCV000459966.28), dbSNP rs141407224, ClinGen allele CA3122427.